The following is an entry in ClinVar:

ClinVar aggregate classification (germline): Uncertain significance (1 of 4 stars; one submission).

Submission:

CeGaT Center for Human Genetics Tuebingen
Classification: Uncertain significance. Last evaluated: 2024-08-01. Review status: criteria provided, single submitter. Criteria: CeGaT Center For Human Genetics Tuebingen Variant Classification Criteria Version 2. Collection method: clinical testing. Allele origin: germline. Affected: yes. Observed: 1 variant allele.
Comment: AFF4: PM2, PP3

NM_014423.4(AFF4):c.944G>C (p.Cys315Ser)

Gene: AFF4 (ALF transcription elongation factor 4; minus strand). Cytogenetic location: 5q31.1.
Variant type: single nucleotide variant.
Coding change: c.944G>C on transcript NM_014423.4 (MANE Select); coding-DNA position 944, G replaced by C.
Protein change: p.Cys315Ser; replaces cysteine 315 with serine.
Molecular consequence: missense variant.
Genome position (GRCh38, 1-based): chr5:132,932,197, C>G on the plus strand (G>C on the coding strand, the complement: AFF4 is on the minus strand). VCF-style: chr5-132932197-C-G. GRCh37 (hg19) VCF-style: chr5-132267889-C-G.
Other names: short protein forms C315S.
Identifiers: ClinVar variation 3341794 (VCV003341794.16).